The following is an entry in ClinVar:

ClinVar aggregate classification (germline): Pathogenic (1 of 4 stars; one submission).

Conditions:
Thrombocytopenia, anemia, and myelofibrosis (THAMY). Identifiers: MedGen C4479504, MONDO:0044316, OMIM 617441.

gnomAD v4.1: 25 of 1,612,862 alleles (0.0016%); highest among the groups gnomAD compares: East Asian, 0.053%; no homozygotes.

Submission:

Juno Genomics, Hangzhou Juno Genomics, Inc
Classification: Pathogenic for Thrombocytopenia, anemia, and myelofibrosis. Review status: criteria provided, single submitter. Criteria: ACMG Guidelines, 2015. Collection method: clinical testing. Allele origin: germline.
Comment: Absent from controls (or at extremely low frequency if recessive) in Genome Aggregation Database.;Null variant in a gene where loss of function (LOF) is a known mechanism of disease.;For recessive disorders, detected in trans with a pathogenic variant.

NM_138272.3(MPIG6B):c.420T>A (p.Tyr140Ter)

Gene: MPIG6B (megakaryocyte and platelet inhibitory receptor G6b; plus strand). Cytogenetic location: 6p21.33.
Variant type: single nucleotide variant.
Coding change: c.420T>A on transcript NM_138272.3 (MANE Select); coding-DNA position 420, T replaced by A.
Protein change: p.Tyr140Ter; replaces tyrosine 140 with a stop codon.
Molecular consequence: nonsense. On other transcripts: intron variant (3).
Genome position (GRCh38, 1-based): chr6:31,724,152, T>A. VCF-style: chr6-31724152-T-A. GRCh37 (hg19) VCF-style: chr6-31691929-T-A.
Other names: c.420T>A, p.Tyr140Ter (NM_025260.4, NM_138277.3); c.409+166T>A (NM_138273.3, NM_138274.3, NM_138275.3); short protein forms Y140*.
Identifiers: ClinVar variation 5007014 (VCV005007014.2).